The following is an entry in ClinVar:

NM_001374736.1(DST):c.4930-1094_4930-1092del

Gene: DST (dystonin; minus strand). Cytogenetic location: 6p12.1.
Variant type: Deletion.
Coding change: c.4930-1094_4930-1092del on transcript NM_001374736.1 (MANE Select); 1094 bases into the intron before coding-DNA position 4930 through 1092 bases into the intron before coding-DNA position 4930, 3 bases deleted (AAC; older notation c.4930-1094_4930-1092delAAC).
Molecular consequence: intron variant. On other transcripts: inframe indel (1).
Genome position (GRCh38, 1-based): chr6:56,615,576-56,615,578, GTT deleted on the plus strand (AAC on the coding strand, the reverse complement: DST is on the minus strand). VCF-style (leftmost placement, unchanged base first): chr6-56615575-AGTT-A. GRCh37 (hg19) VCF-style: chr6-56480373-AGTT-A.
Other names: c.7889_7891del, p.Lys2630_Leu2631delinsMet (NM_001723.7); c.4831-1094_4831-1092del (NM_001144769.5); c.4930-1094_4930-1092del (NM_001374722.1); c.4957-1094_4957-1092del (NM_001374734.1); c.4417-1094_4417-1092del (NM_001144770.2); c.4297-1094_4297-1092del (NM_001374730.1, NM_001386100.1, NM_183380.4 and 1 more transcripts); c.3319-1094_3319-1092del (NM_015548.5).
Identifiers: ClinVar variation 1805849 (VCV001805849.1), dbSNP rs750649172, ClinGen allele CA3869878.

ClinVar aggregate classification (germline): Uncertain significance (1 of 4 stars; one submission).

Conditions:
Hereditary sensory and autonomic neuropathy type 6. Also called: Neuropathy, hereditary sensory and autonomic, type VI; HSAN VI. Identifiers: Orphanet 314381, MedGen C3539003, MONDO:0013839, OMIM 614653.

Allele frequency attached by ClinVar (database versions not stated): ExAC 0.00001; gnomAD 0.00005; TOPMed 0.00006; gnomAD exomes 0.00010.

Submission:

Victorian Clinical Genetics Services, Murdoch Childrens Research Institute
Classification: Uncertain significance for Hereditary sensory and autonomic neuropathy type 6. Last evaluated: 2020-10-19. Review status: criteria provided, single submitter. Criteria: ACMG Guidelines, 2015. Collection method: clinical testing. Allele origin: germline. Inheritance: Autosomal recessive inheritance.
Comment: A heterozygous deletion variant was identified, NM_001723.5(DST):c.7887_7891delinsGTA in exon 24 of 24 of the DST gene (NB: This variant is non-coding in alternative transcripts). This deletion is predicted to cause a frameshift from amino acid position 2630 introducing a stop codon 6 residues downstream, NP_001714.1(DST):p.(Lys2630Tyrfs*6), resulting in loss of normal protein function through truncation (13 residues). The variant is present in the gnomAD population database at a frequency of 0.0011% (3 heterozygotes, 0 homozygotes). It has been previously reported as a VUS in a clinical testing setting (ClinVar). No other variants predicted to also cause a truncated protein have been reported downstream of this variant (ClinVar). Based on information available at the time of curation, this variant has been classified as a VARIANT of UNCERTAIN SIGNIFICANCE (VUS).